The following is an entry in ClinVar:

NM_005845.5(ABCC4):c.1141G>A (p.Val381Ile)

Gene: ABCC4 (ATP binding cassette subfamily C member 4 (PEL blood group); minus strand). Cytogenetic location: 13q32.1.
Variant type: single nucleotide variant.
Coding change: c.1141G>A on transcript NM_005845.5 (MANE Select); coding-DNA position 1141, G replaced by A.
Protein change: p.Val381Ile; replaces valine 381 with isoleucine.
Molecular consequence: missense variant.
Genome position (GRCh38, 1-based): chr13:95,206,552, C>T on the plus strand (G>A on the coding strand, the complement: ABCC4 is on the minus strand). VCF-style: chr13-95206552-C-T. GRCh37 (hg19) VCF-style: chr13-95858806-C-T.
Other names: p.Val381Ile; c.1141G>A, p.Val381Ile (NM_001105515.3, NM_001301829.2); c.916G>A, p.Val306Ile (NM_001301830.2); short protein forms V306I, V381I.
Identifiers: ClinVar variation 3357176 (VCV003357176.2).

ClinVar aggregate classification (germline): Likely benign. Review status: criteria provided, single submitter (1 of 4 stars). 2 submissions from 2 submitters: Likely benign (1). 1 of the submissions does not count toward it. Last evaluated 2025-09-10.

Conditions:
ABCC4-related disorder. Also called: ABCC4-related condition.

gnomAD v4.1: 2,381 of 1,613,894 alleles (0.15%); highest among the groups gnomAD compares: Non-Finnish European, 0.18%; 7 homozygotes.

Submissions (2):

Mayo Clinic Laboratories, Mayo Clinic
Classification: Likely benign. Last evaluated: 2025-09-10. Review status: criteria provided, single submitter. Criteria: ACMG Guidelines, 2015. Collection method: clinical testing. Allele origin: germline. Observed: 1 variant allele.
Comment: BS1_supporting, BS2, BP4

PreventionGenetics, part of Exact Sciences
Classification: Likely benign for ABCC4-related condition. Last evaluated: 2024-03-09. Review status: no assertion criteria provided. Collection method: clinical testing. Allele origin: germline. Not counted in ClinVar's aggregate classification.
Comment: This variant is classified as likely benign based on ACMG/AMP sequence variant interpretation guidelines (Richards et al. 2015 PMID: 25741868, with internal and published modifications).